The following is an entry in ClinVar:

ClinVar aggregate classification (germline): Likely benign (1 of 4 stars; one submission).

Conditions:
PFKL-related disorder. Also called: PFKL-related condition.

gnomAD v4.1: 2 of 1,612,998 alleles (0.00012%); highest among the groups gnomAD compares: Admixed American, 0.0017%; no homozygotes.

Submission:

PreventionGenetics, part of Exact Sciences
Classification: Likely benign for PFKL-related condition. Last evaluated: 2025-02-27. Review status: criteria provided, single submitter. Criteria: ACMG Guidelines, 2015. Collection method: clinical testing. Allele origin: germline.
Comment: This variant is classified as likely benign based on ACMG/AMP sequence variant interpretation guidelines (Richards et al. 2015 PMID: 25741868, with internal and published modifications).

NM_002626.6(PFKL):c.1740C>A (p.Ala580=)

Gene: PFKL (phosphofructokinase, liver type; plus strand). Cytogenetic location: 21q22.3.
Variant type: single nucleotide variant.
Coding change: c.1740C>A on transcript NM_002626.6 (MANE Select); coding-DNA position 1740, C replaced by A.
Protein change: p.Ala580=; no amino-acid change (alanine 580 retained).
Molecular consequence: synonymous variant.
Genome position (GRCh38, 1-based): chr21:44,324,580, C>A. VCF-style: chr21-44324580-C-A. GRCh37 (hg19) VCF-style: chr21-45744463-C-A.
Other names: c.1890C>A, p.Ala630= (NM_001002021.3).
Identifiers: ClinVar variation 4981931 (VCV004981931.1).